The following is an entry in ClinVar:

NM_001916.5(CYC1):c.47G>C (p.Arg16Pro)

Gene: CYC1 (cytochrome c1; plus strand). Cytogenetic location: 8q24.3.
Variant type: single nucleotide variant.
Coding change: c.47G>C on transcript NM_001916.5 (MANE Select); coding-DNA position 47, G replaced by C.
Protein change: p.Arg16Pro; replaces arginine 16 with proline.
Molecular consequence: missense variant.
Genome position (GRCh38, 1-based): chr8:144,095,146, G>C. VCF-style: chr8-144095146-G-C. GRCh37 (hg19) VCF-style: chr8-145150049-G-C.
Other names: short protein forms R16P.
Identifiers: ClinVar variation 1923167 (VCV001923167.5), dbSNP rs1442364771, ClinGen allele CA372517518.

ClinVar aggregate classification (germline): Uncertain significance (1 of 4 stars; one submission).

Allele frequency attached by ClinVar (database versions not stated): gnomAD 0.00001; TOPMed 0.00002.

Submission:

Labcorp Genetics (formerly Invitae), Labcorp
Classification: Uncertain significance. Last evaluated: 2022-08-11. Review status: criteria provided, single submitter. Criteria: Invitae Variant Classification Sherloc (09022015). Collection method: clinical testing. Allele origin: germline.
Comment: This sequence change replaces arginine, which is basic and polar, with proline, which is neutral and non-polar, at codon 16 of the CYC1 protein (p.Arg16Pro). This variant is not present in population databases (gnomAD no frequency). This variant has not been reported in the literature in individuals affected with CYC1-related conditions. Algorithms developed to predict the effect of missense changes on protein structure and function are either unavailable or do not agree on the potential impact of this missense change (SIFT: "Tolerated"; PolyPhen-2: "Possibly Damaging"; Align-GVGD: "Class C0"). In summary, the available evidence is currently insufficient to determine the role of this variant in disease. Therefore, it has been classified as a Variant of Uncertain Significance.